The following is an entry in ClinVar:

ClinVar aggregate classification (germline): Pathogenic. Review status: criteria provided, multiple submitters, no conflicts (2 of 4 stars). 7 submissions from 7 submitters: Pathogenic (7). Last evaluated 2024-01-16.

Conditions:
FH-related disorder. Also called: FH-related condition; FH-related disorders.
Hereditary cancer-predisposing syndrome. Also called: Neoplastic Syndromes, Hereditary; Tumor predisposition; Hereditary Cancer Syndrome; Hereditary neoplastic syndrome. Identifiers: Orphanet 140162, MedGen C0027672, MeSH D009386, MONDO:0015356.
Hereditary leiomyomatosis and renal cell cancer. Also called: MULTIPLE CUTANEOUS AND UTERINE LEIOMYOMATA 1, WITH OR WITHOUT RENAL CELL CARCINOMA; Reed syndrome; Multiple cutaneous and uterine leiomyomatosis; Cutaneous leiomyomata with uterine leiomyomata; Leiomyoma, hereditary multiple, of skin; Multiple cutaneous and uterine leiomyomata. Identifiers: Orphanet 523, MedGen C1708350, MONDO:0007888, OMIM 150800, HP:0007437. Disease mechanism: loss of function.

Submissions (7):

Ambry Genetics
Classification: Pathogenic for Hereditary cancer-predisposing syndrome. Last evaluated: 2024-01-16. Review status: criteria provided, single submitter. Criteria: Ambry Variant Classification Scheme 2023. Collection method: clinical testing. Allele origin: germline.
Comment: The c.395_399delTAAAT pathogenic mutation, located in coding exon 4 of the FH gene, results from a deletion of 5 nucleotides at nucleotide positions 395 to 399, causing a translational frameshift with a predicted alternate stop codon (p.L132*). This variant has been identified in a French HLRCC cohort (Muller M et al. Clin Genet, 2017 Dec;92:606-615). This variant is considered to be rare based on population cohorts in the Genome Aggregation Database (gnomAD). In addition to the clinical data presented in the literature, this alteration is expected to result in loss of function by premature protein truncation or nonsense-mediated mRNA decay. As such, this alteration is interpreted as a disease-causing mutation.

GeneDx
Classification: Pathogenic. Last evaluated: 2023-08-11. Review status: criteria provided, single submitter. Criteria: GeneDx Variant Classification Process June 2021. Collection method: clinical testing. Allele origin: germline. Affected: yes.
Comment: Nonsense variant predicted to result in protein truncation or nonsense mediated decay in a gene for which loss-of-function is a known mechanism of disease; Not observed at significant frequency in large population cohorts (gnomAD); Observed in individuals with HLRCC in published literature (Muller et al., 2017); This variant is associated with the following publications: (PMID: 26900816, 33313134, 31831373, 28300276)

Myriad Genetics, Inc.
Classification: Pathogenic for Hereditary leiomyomatosis and renal cell cancer. Last evaluated: 2023-07-05. Review status: criteria provided, single submitter. Criteria: Myriad Autosomal Dominant, Autosomal Recessive and X-Linked Classification Criteria (2023). Collection method: clinical testing. Allele origin: unknown.
Comment: This variant is considered pathogenic. This variant creates a termination codon and is predicted to result in premature protein truncation.

Women's Health and Genetics/Laboratory Corporation of America, LabCorp
Classification: Pathogenic for Hereditary leiomyomatosis and renal cell cancer. Last evaluated: 2022-11-10. Review status: criteria provided, single submitter. Criteria: LabCorp Variant Classification Summary - May 2015. Collection method: clinical testing. Allele origin: germline.
Comment: Variant summary: FH c.395_399delTAAAT (p.Leu132X) results in a premature termination codon, predicted to cause a truncation of the encoded protein or absence of the protein due to nonsense mediated decay, which are commonly known mechanisms for disease. Truncations downstream of this position have been classified as pathogenic by our laboratory and associated with Leiomyomatosis and Renal Cell Cancer in HGMD. The variant was absent in 250762 control chromosomes. c.395_399delTAAAT has been reported in the literature in individuals affected with Hereditary Leiomyomatosis And Renal Cell Cancer (Muller_2017 and Forde_2020). To our knowledge, no experimental evidence demonstrating an impact on protein function has been reported. Three clinical diagnostic laboratories have submitted clinical-significance assessments for this variant to ClinVar after 2014 without evidence for independent evaluation. All laboratories classified the variant as pathogenic. Based on the evidence outlined above, the variant was classified as pathogenic.

Labcorp Genetics (formerly Invitae), Labcorp
Classification: Pathogenic. Last evaluated: 2022-11-07. Review status: criteria provided, single submitter. Criteria: Invitae Variant Classification Sherloc (09022015). Collection method: clinical testing. Allele origin: germline.
Comment: This sequence change creates a premature translational stop signal (p.Leu132*) in the FH gene. It is expected to result in an absent or disrupted protein product. Loss-of-function variants in FH are known to be pathogenic (PMID: 11865300, 21398687). This variant is not present in population databases (gnomAD no frequency). For these reasons, this variant has been classified as Pathogenic. ClinVar contains an entry for this variant (Variation ID: 214408). This premature translational stop signal has been observed in individual(s) with a personal and/or family history of hereditary leiomyomatosis and renal cell carcinoma syndrome (PMID: 28300276).

Blueprint Genetics
Classification: Pathogenic for FH-related disorders. Last evaluated: 2019-09-27. Review status: criteria provided, single submitter. Criteria: ACMG Guidelines, 2015. Collection method: clinical testing. Allele origin: germline. Affected: yes. Observed: 1 variant allele.

Genomic Diagnostic Laboratory, Division of Genomic Diagnostics, Children's Hospital of Philadelphia
Classification: Pathogenic for Hereditary leiomyomatosis and renal cell cancer. Last evaluated: 2017-01-17. Review status: criteria provided, single submitter. Criteria: DGD Variant Analysis Guidelines. Collection method: clinical testing. Allele origin: germline. Affected: yes. Observed: 2 variant alleles.
Comment: Clinical Testing

Literature cited by the submitters: PubMed 28300276 (cited by 3 submitters); PubMed 31831373 (cited by Women's Health and Genetics/Laboratory Corporation of America, LabCorp); PubMed 11865300 (cited by Labcorp Genetics (formerly Invitae), Labcorp); PubMed 21398687 (cited by Labcorp Genetics (formerly Invitae), Labcorp).

NM_000143.4(FH):c.395_399del (p.Lys131_Leu132insTer)

Gene: FH (fumarate hydratase; minus strand). Cytogenetic location: 1q43.
Variant type: Microsatellite.
Coding change: c.395_399del on transcript NM_000143.4 (MANE Select); coding-DNA positions 395 to 399, 5 bases deleted (TAAAT; older notation c.395_399delTAAAT).
Protein change: p.Lys131_Leu132insTer.
Molecular consequence: nonsense.
Genome position (GRCh38, 1-based): chr1:241,512,123-241,512,127, ATTTA deleted on the plus strand (TAAAT on the coding strand, the reverse complement: FH is on the minus strand); deleting any 5 consecutive bases within chr1:241,512,123-241,512,132 gives the same sequence; the c. name uses the placement nearest the transcript's 3' end. VCF-style (leftmost placement, unchanged base first): chr1-241512122-CATTTA-C. GRCh37 (hg19) VCF-style: chr1-241675422-CATTTA-C.
Other names: c.395_399delTAAAT (NM_000143.3).
Identifiers: ClinVar variation 214408 (VCV000214408.17), dbSNP rs863223995, ClinGen allele CA320029.